The following is an entry in ClinVar:

ClinVar aggregate classification (germline): Uncertain significance (1 of 4 stars; one submission).

Conditions:
OTOG-related disorder. Also called: OTOG-related condition.

Submission:

PreventionGenetics, part of Exact Sciences
Classification: Uncertain significance for OTOG-related condition. Last evaluated: 2025-12-20. Review status: criteria provided, single submitter. Criteria: ACMG Guidelines, 2015. Collection method: clinical testing. Allele origin: germline.
Comment: The OTOG c.3572C>T variant is predicted to result in the amino acid substitution p.Thr1191Ile. To our knowledge, this variant has not been reported in the literature or in a large population database (gnomAD), indicating this variant is rare. At this time, the clinical significance of this variant is uncertain due to the absence of conclusive functional and genetic evidence.

NM_001292063.2(OTOG):c.3536C>T (p.Thr1179Ile)

Gene: OTOG (otogelin; plus strand). Cytogenetic location: 11p15.1.
Variant type: single nucleotide variant.
Coding change: c.3536C>T on transcript NM_001292063.2 (MANE Select); coding-DNA position 3536, C replaced by T.
Protein change: p.Thr1179Ile; replaces threonine 1179 with isoleucine.
Molecular consequence: missense variant.
Genome position (GRCh38, 1-based): chr11:17,596,861, C>T. VCF-style: chr11-17596861-C-T. GRCh37 (hg19) VCF-style: chr11-17618408-C-T.
Other names: c.3572C>T, p.Thr1191Ile (NM_001277269.2); short protein forms T1179I, T1191I.
Identifiers: ClinVar variation 4993986 (VCV004993986.1).